The following is an entry in ClinVar:

ClinVar aggregate classification (germline): Uncertain significance (1 of 4 stars; one submission).

Allele frequency attached by ClinVar (database versions not stated): gnomAD exomes below 0.00001.
gnomAD v4.1: 3 of 1,612,672 alleles (0.00019%); highest among the groups gnomAD compares: Admixed American, 0.0017%; no homozygotes.

Submission:

Labcorp Genetics (formerly Invitae), Labcorp
Classification: Uncertain significance. Last evaluated: 2022-09-17. Review status: criteria provided, single submitter. Criteria: Invitae Variant Classification Sherloc (09022015). Collection method: clinical testing. Allele origin: germline.
Comment: In summary, the available evidence is currently insufficient to determine the role of this variant in disease. Therefore, it has been classified as a Variant of Uncertain Significance. Advanced modeling of protein sequence and biophysical properties (such as structural, functional, and spatial information, amino acid conservation, physicochemical variation, residue mobility, and thermodynamic stability) performed at Invitae indicates that this missense variant is not expected to disrupt CLCN7 protein function. This variant has not been reported in the literature in individuals affected with CLCN7-related conditions. This variant is present in population databases (no rsID available, gnomAD 0.003%). This sequence change replaces alanine, which is neutral and non-polar, with valine, which is neutral and non-polar, at codon 655 of the CLCN7 protein (p.Ala655Val).

NM_001287.6(CLCN7):c.1964C>T (p.Ala655Val)

Gene: CLCN7 (chloride voltage-gated channel 7; minus strand). Cytogenetic location: 16p13.3.
Variant type: single nucleotide variant.
Coding change: c.1964C>T on transcript NM_001287.6 (MANE Select); coding-DNA position 1964, C replaced by T.
Protein change: p.Ala655Val; replaces alanine 655 with valine.
Molecular consequence: missense variant.
Genome position (GRCh38, 1-based): chr16:1,448,404, G>A on the plus strand (C>T on the coding strand, the complement: CLCN7 is on the minus strand). VCF-style: chr16-1448404-G-A. GRCh37 (hg19) VCF-style: chr16-1498405-G-A.
Other names: c.1892C>T, p.Ala631Val (NM_001114331.3); short protein forms A631V, A655V.
Identifiers: ClinVar variation 1719694 (VCV001719694.5), dbSNP rs1468307771, ClinGen allele CA394186081.